The following is an entry in ClinVar:

ClinVar aggregate classification (germline): Uncertain significance. Review status: criteria provided, multiple submitters, no conflicts (2 of 4 stars). 2 submissions from 2 submitters: Uncertain significance (2). Last evaluated 2024-08-06.

Conditions:
Catecholaminergic polymorphic ventricular tachycardia (CVPT). Also called: Catecholamine-induced polymorphic ventricular tachycardia. Identifiers: Orphanet 3286, MedGen C5574922, MONDO:0017990.
Cardiomyopathy (CMYO). Also called: Cardiomyopathies. Identifiers: Orphanet 167848, MedGen C0878544, MONDO:0004994, HP:0001638. Inheritance: Various modes of inheritance.

Allele frequency attached by ClinVar (database versions not stated): gnomAD exomes below 0.00001.
gnomAD v4.1: 3 of 1,566,268 alleles (0.00019%); highest among the groups gnomAD compares: South Asian, 0.0012%; no homozygotes.

Submissions (2):

All of Us Research Program, National Institutes of Health
Classification: Uncertain significance for Catecholaminergic polymorphic ventricular tachycardia. Last evaluated: 2024-08-06. Review status: criteria provided, single submitter. Criteria: ACMG Guidelines, 2015. Collection method: clinical testing. Allele origin: germline. Inheritance: Autosomal dominant inheritance. Observed: 1 variant allele, 1 heterozygote.
Comment: This study involves interpretation of variants in research participants for the purpose of population health screening. Participant phenotype was not available at the time of variant classification. Additional details can be found in publication PMID: 35346344, PMCID: PMC8962531

Color Diagnostics, LLC DBA Color Health
Classification: Uncertain significance for Cardiomyopathy. Last evaluated: 2022-10-18. Review status: criteria provided, single submitter. Criteria: ACMG Guidelines, 2015. Collection method: clinical testing. Allele origin: germline.
Comment: This missense variant replaces alanine with glycine at codon 4512 of the RYR2 protein. Computational prediction is inconclusive regarding the impact of this variant on protein structure and function (internally defined REVEL score threshold 0.5 < inconclusive < 0.7, PMID: 27666373). To our knowledge, functional studies have not been reported for this variant. This variant has not been reported in individuals affected with cardiovascular disorders in the literature. This variant has been identified in 1/194120 chromosomes in the general population by the Genome Aggregation Database (gnomAD). The available evidence is insufficient to determine the role of this variant in disease conclusively. Therefore, this variant is classified as a Variant of Uncertain Significance.

NM_001035.3(RYR2):c.13535C>G (p.Ala4512Gly)

Gene: RYR2 (ryanodine receptor 2; plus strand). Cytogenetic location: 1q43.
Variant type: single nucleotide variant.
Coding change: c.13535C>G on transcript NM_001035.3 (MANE Select); coding-DNA position 13535, C replaced by G.
Protein change: p.Ala4512Gly; replaces alanine 4512 with glycine.
Molecular consequence: missense variant.
Genome position (GRCh38, 1-based): chr1:237,791,487, C>G. VCF-style: chr1-237791487-C-G. GRCh37 (hg19) VCF-style: chr1-237954787-C-G.
Other names: short protein forms A4512G.
Identifiers: ClinVar variation 2774410 (VCV002774410.3), dbSNP rs1202979466, ClinGen allele CA345417175.